The following is an entry in ClinVar:

NM_001365999.1(SZT2):c.2955C>T (p.Cys985=)

Gene: SZT2 (SZT2 subunit of KICSTOR complex; plus strand). Cytogenetic location: 1p34.2.
Variant type: single nucleotide variant.
Coding change: c.2955C>T on transcript NM_001365999.1 (MANE Select); coding-DNA position 2955, C replaced by T.
Protein change: p.Cys985=; no amino-acid change (cysteine 985 retained).
Molecular consequence: synonymous variant.
Genome position (GRCh38, 1-based): chr1:43,426,063, C>T. VCF-style: chr1-43426063-C-T. GRCh37 (hg19) VCF-style: chr1-43891734-C-T.
Other names: c.2955C>T, p.Cys985= (NM_015284.4).
Identifiers: ClinVar variation 546595 (VCV000546595.59), dbSNP rs151189395, ClinGen allele CA808870.
Genomic context (GRCh38, chr1:43,426,063, plus strand): 5'-GCGTCTCACTGTGTCCTGTCCTTCCTCCCTCGTAGGATTGGATCAGGGAGGAGACACCTG[C>T]GTCCATGAGATCCCTTTCCATTTTGACCTAATGGGATTGCTGCCACAGTGCCAGCAGCTC-3'
Protein context (NP_001352928.1, residues 975-995): SDGLDQGGDT[Cys985=]VHEIPFHFDL

ClinVar aggregate classification (germline): Benign/Likely benign. Review status: criteria provided, multiple submitters, no conflicts (2 of 4 stars). 9 submissions from 9 submitters: Benign (2); Likely benign (4). 3 of the submissions do not count toward it. Last evaluated 2025-12-22.

Conditions:
SZT2-related disorder. Also called: SZT2-related condition.
Developmental and epileptic encephalopathy, 18 (DEE18). Also called: Early infantile epileptic encephalopathy 18. Identifiers: Orphanet 369894, MedGen C3809624, MONDO:0014201, OMIM 615476.
Inborn genetic diseases. Identifiers: MedGen C0950123, MeSH D030342.

Allele frequency attached by ClinVar (database versions not stated): 1000 Genomes Project 30x 0.00031; 1000 Genomes Project 0.00040; TOPMed 0.00041; ESP Exome Variant Server 0.00054; gnomAD exomes 0.00087 and 0.00131; ExAC 0.00094; gnomAD 0.00106 and 0.00113.
gnomAD v4.1: 1,420 of 1,614,106 alleles (0.088%); highest among the groups gnomAD compares: Middle Eastern, 0.12%; 2 homozygotes.

Submissions (9):

Labcorp Genetics (formerly Invitae), Labcorp
Classification: Benign. Last evaluated: 2025-12-22. Review status: criteria provided, single submitter. Criteria: Invitae Variant Classification Sherloc (09022015). Collection method: clinical testing. Allele origin: germline.

Blueprint Genetics
Classification: Likely benign. Last evaluated: 2024-10-22. Review status: criteria provided, single submitter. Criteria: ACMG Guidelines, 2015. Collection method: clinical testing. Allele origin: germline.

CeGaT Center for Human Genetics Tuebingen
Classification: Likely benign. Last evaluated: 2024-01-01. Review status: criteria provided, single submitter. Criteria: CeGaT Center For Human Genetics Tuebingen Variant Classification Criteria Version 2. Collection method: clinical testing. Allele origin: germline. Affected: yes. Observed: 8 variant alleles.
Comment: SZT2: BP4, BP7

Genome-Nilou Lab
Classification: Benign for Developmental and epileptic encephalopathy, 18. Last evaluated: 2023-04-11. Review status: criteria provided, single submitter. Criteria: ACMG Guidelines, 2015. Collection method: clinical testing. Allele origin: germline. Affected: no.

GeneDx
Classification: Likely benign. Last evaluated: 2021-05-19. Review status: criteria provided, single submitter. Criteria: GeneDx Variant Classification Process June 2021. Collection method: clinical testing. Allele origin: germline. Affected: yes.

Ambry Genetics
Classification: Likely benign for Inborn genetic diseases. Last evaluated: 2017-05-31. Review status: criteria provided, single submitter. Criteria: Ambry Variant Classification Scheme 2023. Collection method: clinical testing. Allele origin: germline.

PreventionGenetics, part of Exact Sciences
Classification: Likely benign for SZT2-related condition. Last evaluated: 2019-04-12. Review status: no assertion criteria provided. Collection method: clinical testing. Allele origin: germline. Not counted in ClinVar's aggregate classification.
Comment: This variant is classified as likely benign based on ACMG/AMP sequence variant interpretation guidelines (Richards et al. 2015 PMID: 25741868, with internal and published modifications).

Clinical Genetics DNA and cytogenetics Diagnostics Lab, Erasmus MC, Erasmus Medical Center
Classification: Likely benign. Review status: no assertion criteria provided. Collection method: clinical testing. Allele origin: germline. Affected: yes. Study: VKGL Data-share Consensus. Not counted in ClinVar's aggregate classification.

Genome Diagnostics Laboratory, University Medical Center Utrecht
Classification: Likely benign. Review status: no assertion criteria provided. Collection method: clinical testing. Allele origin: germline. Affected: yes. Study: VKGL Data-share Consensus. Not counted in ClinVar's aggregate classification.